The following is an entry in ClinVar:

NM_000383.4(AIRE):c.461C>T (p.Pro154Leu)

Gene: AIRE (autoimmune regulator; plus strand). Cytogenetic location: 21q22.3.
Variant type: single nucleotide variant.
Coding change: c.461C>T on transcript NM_000383.4 (MANE Select); coding-DNA position 461, C replaced by T.
Protein change: p.Pro154Leu; replaces proline 154 with leucine.
Molecular consequence: missense variant.
Genome position (GRCh38, 1-based): chr21:44,287,131, C>T. VCF-style: chr21-44287131-C-T. GRCh37 (hg19) VCF-style: chr21-45707014-C-T.
Other names: short protein forms P154L.
Identifiers: ClinVar variation 2712370 (VCV002712370.3), dbSNP rs1030568996, ClinGen allele CA321787825.

ClinVar aggregate classification (germline): Uncertain significance (1 of 4 stars; one submission).

Conditions:
Polyglandular autoimmune syndrome, type 1 (APS1). Also called: HYPOADRENOCORTICISM WITH HYPOPARATHYROIDISM AND SUPERFICIAL MONILIASIS; Autoimmune polyendocrine syndrome type 1; Autoimmune polyendocrinopathy syndrome, type I; PGA I; Autoimmune polyendocrinopathy syndrome , type I, with or without reversible metaphyseal dysplasia; AUTOIMMUNE POLYENDOCRINE SYNDROME, TYPE I, WITH OR WITHOUT REVERSIBLE METAPHYSEAL DYSPLASIA. Identifiers: Orphanet 3453, MedGen C0085859, MONDO:0009411, OMIM 240300.

Submission:

Labcorp Genetics (formerly Invitae), Labcorp
Classification: Uncertain significance for Polyglandular autoimmune syndrome, type 1. Last evaluated: 2023-04-21. Review status: criteria provided, single submitter. Criteria: Invitae Variant Classification Sherloc (09022015). Collection method: clinical testing. Allele origin: germline.
Comment: This sequence change replaces proline, which is neutral and non-polar, with leucine, which is neutral and non-polar, at codon 154 of the AIRE protein (p.Pro154Leu). This variant is not present in population databases (gnomAD no frequency). This variant has not been reported in the literature in individuals affected with AIRE-related conditions. An algorithm developed to predict the effect of missense changes on protein structure and function (PolyPhen-2) suggests that this variant is likely to be disruptive. In summary, the available evidence is currently insufficient to determine the role of this variant in disease. Therefore, it has been classified as a Variant of Uncertain Significance.